The following is an entry in ClinVar:

ClinVar aggregate classification (germline): Pathogenic (0 of 4 stars; one submission).

Conditions:
Alkaptonuria (AKU). Also called: Alkaptonuric ochronosis; Homogentisic acidura; HOMOGENTISIC ACID OXIDASE DEFICIENCY; Alcaptonuria. Identifiers: Orphanet 56, MedGen C0002066, MONDO:0008753, OMIM 203500.

Submission:

Department Of Human Genetics, Institute Of Clinical And Translational Research, Biomedical Research Center, Slovak Academy Of Sciences
Classification: Pathogenic for Alkaptonuria. Review status: no assertion criteria provided. Collection method: research. Allele origin: germline. Inheritance: Autosomal recessive inheritance. Affected: yes. Observed: 6 variant alleles.
Comment: The variant was originally described in PMID:30737480. It has been submitted to the HGD gene mutation database (DB-ID: AKU_00204).

Literature cited by the submitters: PubMed 30737480.

NM_000187.4(HGD):c.1189-41_1248del

Gene: HGD (homogentisate 1,2-dioxygenase; minus strand). Cytogenetic location: 3q13.33.
Variant type: Deletion.
Coding change: c.1189-41_1248del on transcript NM_000187.4 (MANE Select); 41 bases into the intron before coding-DNA position 1189 through coding-DNA position 1248, 101 bases deleted.
Molecular consequence: splice acceptor variant.
Genome position (GRCh38, 1-based): chr3:120,628,470-120,628,570, 101 bases deleted. GRCh37 (hg19): chr3:120,347,317-120,347,417.
Identifiers: ClinVar variation 2584691 (VCV002584691.2), dbSNP rs2472642490, ClinGen allele CA2582342870.